The following is an entry in ClinVar:

ClinVar aggregate classification (germline): Uncertain significance. Review status: criteria provided, multiple submitters, no conflicts (2 of 4 stars). 2 submissions from 2 submitters: Uncertain significance (2). Last evaluated 2024-12-27.

Conditions:
Microcephaly 18, primary, autosomal dominant (MCPH18). Identifiers: MedGen C4479608, MONDO:0054593, OMIM 617520.

Allele frequency attached by ClinVar (database versions not stated): gnomAD exomes below 0.00001; TOPMed below 0.00001; gnomAD 0.00001.
gnomAD v4.1: 2 of 1,613,552 alleles (0.00012%); highest among the groups gnomAD compares: African/African-American, 0.0013%; no homozygotes.

Submissions (2):

GeneDx
Classification: Uncertain significance. Last evaluated: 2024-12-27. Review status: criteria provided, single submitter. Criteria: GeneDx Variant Classification Process June 2021. Collection method: clinical testing. Allele origin: germline. Affected: yes.
Comment: Not observed at significant frequency in large population cohorts (gnomAD); In silico analysis supports that this missense variant has a deleterious effect on protein structure/function; Has not been previously published as pathogenic or benign to our knowledge

New York Genome Center
Classification: Uncertain significance for Microcephaly 18, primary, autosomal dominant. Last evaluated: 2021-06-14. Review status: criteria provided, single submitter. Criteria: NYGC Assertion Criteria 2020. Collection method: clinical testing. Allele origin: inherited. Observed: 1 heterozygote. Study: CSER-NYCKidSeq.

NM_014991.6(WDFY3):c.9754C>T (p.Pro3252Ser)

Gene: WDFY3 (WD repeat and FYVE domain containing 3; minus strand). Cytogenetic location: 4q21.23.
Variant type: single nucleotide variant.
Coding change: c.9754C>T on transcript NM_014991.6 (MANE Select); coding-DNA position 9754, C replaced by T.
Protein change: p.Pro3252Ser; replaces proline 3252 with serine.
Molecular consequence: missense variant.
Genome position (GRCh38, 1-based): chr4:84,682,443, G>A on the plus strand (C>T on the coding strand, the complement: WDFY3 is on the minus strand). VCF-style: chr4-84682443-G-A. GRCh37 (hg19) VCF-style: chr4-85603596-G-A.
Other names: short protein forms P3252S.
Identifiers: ClinVar variation 1679698 (VCV001679698.2), dbSNP rs912833658, ClinGen allele CA100717829.
Genomic context (GRCh38, chr4:84,682,443, plus strand): 5'-CTTCTGGACAGTCTTCCTGCATTTCTAGGACTTCAGCAGGCTCAGGAGCTGGTGTTTCAG[G>A]AACTTGCAAAAATTCCATTCTCCAAAACTAAATTTAAATAAGTACAAAAATTAAAAAGTT-3'
Protein context (NP_055806.2, residues 3242-3262): RFWRMEFLQV[Pro3252Ser]ETPAPEPAEV